The following is an entry in ClinVar:

ClinVar aggregate classification (germline): Uncertain significance. Review status: criteria provided, multiple submitters, no conflicts (2 of 4 stars). 2 submissions from 2 submitters: Uncertain significance (2). Last evaluated 2025-09-10.

Conditions:
Severe early-onset pulmonary alveolar proteinosis due to MARS deficiency. Also called: PULMONARY ALVEOLAR PROTEINOSIS, REUNION ISLAND; Interstitial lung and liver disease. Identifiers: Orphanet 440427, MedGen C4225400, MONDO:0014206, OMIM 615486.
Charcot-Marie-Tooth disease axonal type 2U. Also called: CHARCOT-MARIE-TOOTH NEUROPATHY, TYPE 2U; CHARCOT-MARIE-TOOTH DISEASE, AXONAL, AUTOSOMAL DOMINANT, TYPE 2U. Identifiers: Orphanet 397735, MedGen C4084821, MONDO:0014566, OMIM 616280.

Allele frequency attached by ClinVar (database versions not stated): ExAC 0.00004; gnomAD 0.00003; TOPMed 0.00001; gnomAD exomes 0.00002.
gnomAD v4.1: 30 of 1,614,084 alleles (0.0019%); highest among the groups gnomAD compares: Admixed American, 0.0033%; no homozygotes.

Submissions (2):

Labcorp Genetics (formerly Invitae), Labcorp
Classification: Uncertain significance for Charcot-Marie-Tooth disease axonal type 2U; Severe early-onset pulmonary alveolar proteinosis due to MARS deficiency. Last evaluated: 2025-09-10. Review status: criteria provided, single submitter. Criteria: Invitae Variant Classification Sherloc (09022015). Collection method: clinical testing. Allele origin: germline.
Comment: This sequence change replaces threonine, which is neutral and polar, with methionine, which is neutral and non-polar, at codon 610 of the MARS protein (p.Thr610Met). This variant is present in population databases (rs749222145, gnomAD 0.005%). This variant has not been reported in the literature in individuals affected with MARS-related conditions. ClinVar contains an entry for this variant (Variation ID: 2924371). An algorithm developed to predict the effect of missense changes on protein structure and function (PolyPhen-2) suggests that this variant is likely to be disruptive. In summary, the available evidence is currently insufficient to determine the role of this variant in disease. Therefore, it has been classified as a Variant of Uncertain Significance.

Ambry Genetics
Classification: Uncertain significance. Last evaluated: 2024-05-06. Review status: criteria provided, single submitter. Criteria: Ambry Variant Classification Scheme 2023. Collection method: clinical testing. Allele origin: germline.

NM_004990.4(MARS1):c.1829C>T (p.Thr610Met)

Gene: MARS1 (methionyl-tRNA synthetase 1; plus strand). Cytogenetic location: 12q13.3.
Variant type: single nucleotide variant.
Coding change: c.1829C>T on transcript NM_004990.4 (MANE Select); coding-DNA position 1829, C replaced by T.
Protein change: p.Thr610Met; replaces threonine 610 with methionine.
Molecular consequence: missense variant.
Genome position (GRCh38, 1-based): chr12:57,512,826, C>T. VCF-style: chr12-57512826-C-T. GRCh37 (hg19) VCF-style: chr12-57906609-C-T.
Other names: c.1829C>T (NM_004990.3); short protein forms T610M.
Identifiers: ClinVar variation 2924371 (VCV002924371.4), dbSNP rs749222145, ClinGen allele CA6650632.
Genomic context (GRCh38, chr12:57,512,826, plus strand): 5'-AGGATGGGAAATTCTCTAAGAGCCGCGGTGTGGGAGTGTTTGGGGACATGGCCCAGGACA[C>T]GGGGATCCCTGCTGACATCTGGCGCTTCTATCTGCTGTACATTCGGCCTGAGGGCCAGGA-3'
Protein context (NP_004981.2, residues 600-620): VGVFGDMAQD[Thr610Met]GIPADIWRFY